The following is an entry in ClinVar:

ClinVar aggregate classification (germline): Uncertain significance (1 of 4 stars; one submission).

Conditions:
Brugada syndrome. Also called: Sudden unexplained nocturnal death syndrome; Sudden unexpected nocturnal death syndrome; Sudden Unexplained Death Syndrome; Sudden Unexplained Nocturnal Death Syndrome (SUNDS). Identifiers: Orphanet 130, MedGen C1142166, MONDO:0015263.

Allele frequency attached by ClinVar (database versions not stated): gnomAD exomes below 0.00001; gnomAD 0.00001; TOPMed 0.00001.
gnomAD v4.1: 2 of 1,603,610 alleles (0.00012%); highest among the groups gnomAD compares: Non-Finnish European, 0.00017%; no homozygotes.

Submission:

Labcorp Genetics (formerly Invitae), Labcorp
Classification: Uncertain significance for Brugada syndrome. Last evaluated: 2023-03-30. Review status: criteria provided, single submitter. Criteria: Invitae Variant Classification Sherloc (09022015). Collection method: clinical testing. Allele origin: germline.
Comment: In summary, the available evidence is currently insufficient to determine the role of this variant in disease. Therefore, it has been classified as a Variant of Uncertain Significance. Variants that disrupt the consensus splice site are a relatively common cause of aberrant splicing (PMID: 17576681, 9536098). Algorithms developed to predict the effect of sequence changes on RNA splicing suggest that this variant is not likely to affect RNA splicing. This variant has not been reported in the literature in individuals affected with SLMAP-related conditions. This variant is not present in population databases (gnomAD no frequency). This sequence change falls in intron 13 of the SLMAP gene. It does not directly change the encoded amino acid sequence of the SLMAP protein. It affects a nucleotide within the consensus splice site.

Literature cited by the submitters: PubMed 17576681; PubMed 9536098.

NM_001377540.1(SLMAP):c.1442-3T>C

Gene: SLMAP (sarcolemma associated protein; plus strand). Cytogenetic location: 3p14.3.
Variant type: single nucleotide variant.
Coding change: c.1442-3T>C on transcript NM_001377540.1 (MANE Select); 3 bases into the intron before coding-DNA position 1442, T replaced by C.
Molecular consequence: intron variant.
Genome position (GRCh38, 1-based): chr3:57,896,870, T>C. VCF-style: chr3-57896870-T-C. GRCh37 (hg19) VCF-style: chr3-57882597-T-C.
Other names: c.1442-3T>C (NM_001377538.1, NM_001377539.1, NM_001377555.1); c.1379-3T>C (NM_001377545.1, NM_001377922.1); c.1391-3T>C (NM_001377541.1, NM_001304420.3, NM_001377562.1 and 2 more transcripts); c.1328-3T>C (NM_001377552.1, NM_001377551.1, NM_001377924.1); c.1340-3T>C (NM_001377549.1, NM_007159.5, NM_001377923.1); c.1277-3T>C (NM_001377559.1, NM_001377557.1, NM_001377925.1 and 1 more transcripts); c.-8-3T>C (NM_001311178.2, NM_001304422.3, NM_001377927.1 and 4 more transcripts).
Identifiers: ClinVar variation 2913887 (VCV002913887.3), dbSNP rs971076928, ClinGen allele CA75411384.
Genomic context (GRCh38, chr3:57,896,870, plus strand): 5'-ATAGCTTGCTGATAGATCTGAATACTGTCTGTAATTATATATGTATTTTTTTCCTCTCTG[T>C]AGACGCCCAAATGGATGAGCAAGACCTAAATGAGCCTCTTGCCAAAGTGTCCCTTTTAAA-3'